The following is an entry in ClinVar:

NM_001044385.3(TMEM237):c.596C>T (p.Thr199Ile)

Gene: TMEM237 (transmembrane protein 237; minus strand). Cytogenetic location: 2q33.1.
Variant type: single nucleotide variant.
Coding change: c.596C>T on transcript NM_001044385.3 (MANE Select); coding-DNA position 596, C replaced by T.
Protein change: p.Thr199Ile; replaces threonine 199 with isoleucine.
Molecular consequence: missense variant.
Genome position (GRCh38, 1-based): chr2:201,629,810, G>A on the plus strand (C>T on the coding strand, the complement: TMEM237 is on the minus strand). VCF-style: chr2-201629810-G-A. GRCh37 (hg19) VCF-style: chr2-202494533-G-A.
Other names: c.572C>T, p.Thr191Ile (NM_152388.4); short protein forms T191I, T199I.
Identifiers: ClinVar variation 2630898 (VCV002630898.1), dbSNP rs1222457840, ClinGen allele CA350310694.

ClinVar aggregate classification (germline): Uncertain significance (1 of 4 stars; one submission).

Conditions:
TMEM237-related disorder. Also called: TMEM237-related condition.

Allele frequency attached by ClinVar (database versions not stated): gnomAD exomes below 0.00001; TOPMed below 0.00001; gnomAD 0.00001.
gnomAD v4.1: 3 of 1,613,330 alleles (0.00019%); highest among the groups gnomAD compares: South Asian, 0.0022%; no homozygotes.

Submission:

PreventionGenetics, part of Exact Sciences
Classification: Uncertain significance for TMEM237-related condition. Last evaluated: 2023-09-15. Review status: criteria provided, single submitter. Criteria: ACMG Guidelines, 2015. Collection method: clinical testing. Allele origin: germline.
Comment: The TMEM237 c.596C>T variant is predicted to result in the amino acid substitution p.Thr199Ile. To our knowledge, this variant has not been reported in the literature. This variant is reported in 0.0033% of alleles in individuals of South Asian descent in gnomAD. At this time, the clinical significance of this variant is uncertain due to the absence of conclusive functional and genetic evidence.